The following is an entry in ClinVar:

NM_001987.5(ETV6):c.1154A>C (p.Asn385Thr)

Gene: ETV6 (ETS variant transcription factor 6; plus strand). Cytogenetic location: 12p13.2.
Variant type: single nucleotide variant.
Coding change: c.1154A>C on transcript NM_001987.5 (MANE Select); coding-DNA position 1154, A replaced by C.
Protein change: p.Asn385Thr; replaces asparagine 385 with threonine.
Molecular consequence: missense variant. On other transcripts: intron variant (1).
Genome position (GRCh38, 1-based): chr12:11,885,927, A>C. VCF-style: chr12-11885927-A-C. GRCh37 (hg19) VCF-style: chr12-12038861-A-C.
Other names: c.1151A>C, p.Asn384Thr (NM_001413913.1); c.1127A>C, p.Asn376Thr (NM_001413914.1); c.890A>C, p.Asn297Thr (NM_001413915.1); c.1010-5014A>C (NM_001413917.1); short protein forms N297T, N376T, N384T, N385T.
Identifiers: ClinVar variation 4870676 (VCV004870676.1).

ClinVar aggregate classification (germline): Uncertain significance (1 of 4 stars; one submission).

Conditions:
Inborn genetic diseases. Identifiers: MedGen C0950123, MeSH D030342.

Submission:

Ambry Genetics
Classification: Uncertain significance for Inborn genetic diseases. Last evaluated: 2026-05-14. Review status: criteria provided, single submitter. Criteria: Ambry Variant Classification Scheme 2023. Collection method: clinical testing. Allele origin: germline.
Comment: The p.N385T variant (also known as c.1154A>C), located in coding exon 7 of the ETV6 gene, results from an A to C substitution at nucleotide position 1154. The asparagine at codon 385 is replaced by threonine, an amino acid with similar properties. This amino acid position is conserved. In addition, the in silico prediction for this alteration is inconclusive. Based on the available evidence, the clinical significance of this variant remains unclear.